The following is an entry in ClinVar:

NM_004304.5(ALK):c.3503C>A (p.Ala1168Asp)

Gene: ALK (ALK receptor tyrosine kinase; minus strand). Cytogenetic location: 2p23.2.
Variant type: single nucleotide variant.
Coding change: c.3503C>A on transcript NM_004304.5 (MANE Select); coding-DNA position 3503, C replaced by A.
Protein change: p.Ala1168Asp; replaces alanine 1168 with aspartic acid.
Molecular consequence: missense variant.
Genome position (GRCh38, 1-based): chr2:29,222,356, G>T on the plus strand (C>A on the coding strand, the complement: ALK is on the minus strand). VCF-style: chr2-29222356-G-T. GRCh37 (hg19) VCF-style: chr2-29445222-G-T.
Other names: c.299C>A, p.Ala100Asp (NM_001353765.2); short protein forms A100D, A1168D.
Identifiers: ClinVar variation 3854556 (VCV003854556.1).

ClinVar aggregate classification (germline): Uncertain significance (1 of 4 stars; one submission).

Conditions:
Hereditary cancer-predisposing syndrome. Also called: Hereditary neoplastic syndrome; Neoplastic Syndromes, Hereditary; Tumor predisposition; Hereditary Cancer Syndrome. Identifiers: Orphanet 140162, MedGen C0027672, MeSH D009386, MONDO:0015356.

Submission:

Ambry Genetics
Classification: Uncertain significance for Hereditary cancer-predisposing syndrome. Last evaluated: 2025-02-28. Review status: criteria provided, single submitter. Criteria: Ambry Variant Classification Scheme 2023. Collection method: clinical testing. Allele origin: germline.
Comment: The p.A1168D variant (also known as c.3503C>A), located in coding exon 22 of the ALK gene, results from a C to A substitution at nucleotide position 3503. The alanine at codon 1168 is replaced by aspartic acid, an amino acid with dissimilar properties. This amino acid position is conserved. In addition, this alteration is predicted to be deleterious by in silico analysis. Based on the available evidence, the clinical significance of this variant remains unclear.